The following is an entry in ClinVar:

NM_152594.3(SPRED1):c.908G>A (p.Ser303Asn)

Gene: SPRED1 (sprouty related EVH1 domain containing 1; plus strand). Cytogenetic location: 15q14.
Variant type: single nucleotide variant.
Coding change: c.908G>A on transcript NM_152594.3 (MANE Select); coding-DNA position 908, G replaced by A.
Protein change: p.Ser303Asn; replaces serine 303 with asparagine.
Molecular consequence: missense variant.
Genome position (GRCh38, 1-based): chr15:38,351,237, G>A. VCF-style: chr15-38351237-G-A. GRCh37 (hg19) VCF-style: chr15-38643438-G-A.
Other names: c.908G>A (NM_152594.2); short protein forms S303N.
Identifiers: ClinVar variation 1910984 (VCV001910984.6), dbSNP rs1261994638, ClinGen allele CA391933521.

ClinVar aggregate classification (germline): Uncertain significance. Review status: criteria provided, multiple submitters, no conflicts (2 of 4 stars). 2 submissions from 2 submitters: Uncertain significance (2). Last evaluated 2026-05-27.

Conditions:
Cardiovascular phenotype. Identifiers: MedGen CN230736.
Legius syndrome. Identifiers: Orphanet 137605, MedGen C1969623, MONDO:0012669, OMIM 611431. Disease mechanism: loss of function.

Allele frequency attached by ClinVar (database versions not stated): gnomAD exomes below 0.00001.
gnomAD v4.1: 3 of 1,614,080 alleles (0.00019%); highest among the groups gnomAD compares: Admixed American, 0.0033%; no homozygotes.

Submissions (2):

Ambry Genetics
Classification: Uncertain significance for Cardiovascular phenotype. Last evaluated: 2026-05-27. Review status: criteria provided, single submitter. Criteria: Ambry Variant Classification Scheme 2023. Collection method: clinical testing. Allele origin: germline.
Comment: The p.S303N variant (also known as c.908G>A), located in coding exon 7 of the SPRED1 gene, results from a G to A substitution at nucleotide position 908. The serine at codon 303 is replaced by asparagine, an amino acid with highly similar properties. This amino acid position is conserved. In addition, this alteration is predicted to be tolerated by in silico analysis. Based on the available evidence, the clinical significance of this variant remains unclear.

Labcorp Genetics (formerly Invitae), Labcorp
Classification: Uncertain significance for Legius syndrome. Last evaluated: 2022-03-26. Review status: criteria provided, single submitter. Criteria: Invitae Variant Classification Sherloc (09022015). Collection method: clinical testing. Allele origin: germline.
Comment: This sequence change replaces serine, which is neutral and polar, with asparagine, which is neutral and polar, at codon 303 of the SPRED1 protein (p.Ser303Asn). In summary, the available evidence is currently insufficient to determine the role of this variant in disease. Therefore, it has been classified as a Variant of Uncertain Significance. Algorithms developed to predict the effect of missense changes on protein structure and function output the following: SIFT: "Tolerated"; PolyPhen-2: "Benign"; Align-GVGD: "Class C0". The asparagine amino acid residue is found in multiple mammalian species, which suggests that this missense change does not adversely affect protein function. This variant has not been reported in the literature in individuals affected with SPRED1-related conditions. This variant is present in population databases (no rsID available, gnomAD 0.003%).